The following is an entry in ClinVar:

NM_000836.4(GRIN2D):c.1997C>T (p.Ala666Val)

Genes: GRIN2D (glutamate ionotropic receptor NMDA type subunit 2D; plus strand), LOC130064857 (ATAC-STARR-seq lymphoblastoid active region 14894; plus strand). Cytogenetic location: 19q13.33.
Variant type: single nucleotide variant.
Coding change: c.1997C>T on transcript NM_000836.4 (MANE Select); coding-DNA position 1997, C replaced by T.
Protein change: p.Ala666Val; replaces alanine 666 with valine.
Molecular consequence: missense variant.
Genome position (GRCh38, 1-based): chr19:48,419,720, C>T. VCF-style: chr19-48419720-C-T. GRCh37 (hg19) VCF-style: chr19-48922977-C-T.
Other names: NP_000827.2:p.(Ala666Val); short protein forms A666V.
Identifiers: ClinVar variation 1685871 (VCV001685871.4), dbSNP rs2147455888, ClinGen allele CA406698247.
Genomic context (GRCh38, chr19:48,419,720, plus strand): 5'-CCGTGGAGAACCCCCGGGGAACCACCAGCAAAATCATGGTGCTGGTGTGGGCCTTCTTCG[C>T]CGTCATCTTCCTCGCCAGCTACACAGCCAACCTGGCCGCCTTCATGATCCAGGAGGAGTA-3'
Protein context (NP_000827.2, residues 656-676): KIMVLVWAFF[Ala666Val]VIFLASYTAN

ClinVar aggregate classification (germline): Conflicting classifications of pathogenicity. Review status: criteria provided, conflicting classifications (1 of 4 stars). 4 submissions from 4 submitters: Pathogenic (1); Likely pathogenic (2); Uncertain significance (1). Last evaluated 2025-07-21.

Conditions:
GRIN2D-related disorders.
Developmental and epileptic encephalopathy, 46 (DEE46). Also called: Epileptic encephalopathy, early infantile, 46; GRIN2D-Related Developmental and Epileptic Encephalopathy. Identifiers: MedGen C4310687, MONDO:0014947, OMIM 617162.
Developmental and epileptic encephalopathy. Identifiers: MedGen C5779964, MONDO:0100620.

Submissions (4):

3billion
Classification: Uncertain significance for Developmental and epileptic encephalopathy, 46. Last evaluated: 2025-07-21. Review status: criteria provided, single submitter. Criteria: ACMG Guidelines, 2015. Collection method: clinical testing. Allele origin: germline. Affected: yes.
Comment: The variant is not observed in the gnomAD v4.1.0 dataset. Predicted Consequence/Location: Missense variant. Missense changes are a common disease-causing mechanism. Damaging effect on gene or gene product predicted by in silico programs is uncertain [REVEL: 0.41 (damaging >=0.6, benign <0.4), 3Cnet: 0.26 (damaging >0.75, benign <0.1)]. The same nucleotide change resulting in the same amino acid change has been previously reported to be associated with GRIN2D-related disorder (ClinVar ID: VCV001685871). Therefore, this variant is classified as VUS according to the recommendation of ACMG/AMP guideline.

Blueprint Genetics
Classification: Likely pathogenic for GRIN2D-related disorders. Last evaluated: 2024-08-20. Review status: criteria provided, single submitter. Criteria: ACMG Guidelines, 2015. Collection method: clinical testing. Allele origin: germline. Affected: yes. Observed: 1 variant allele.

Unidad de Genómica Garrahan, Hospital de Pediatría Garrahan
Classification: Likely pathogenic for Developmental and epileptic encephalopathy. Last evaluated: 2024-01-01. Review status: criteria provided, single submitter. Criteria: ACMG Guidelines, 2015. Collection method: clinical testing. Allele origin: de novo. Affected: yes. Observed: 1 variant allele.
Comment: PM1, PM2, PM6, PP2.

Mendelics
Classification: Pathogenic for Developmental and epileptic encephalopathy, 46. Last evaluated: 2022-05-04. Review status: criteria provided, single submitter. Criteria: Mendelics Assertion Criteria 2019. Collection method: clinical testing. Allele origin: germline.

Literature cited by the submitters: PubMed 41673952 (cited by Unidad de Genómica Garrahan, Hospital de Pediatría Garrahan).